The following is an entry in ClinVar:

ClinVar aggregate classification (germline): Pathogenic/Likely pathogenic. Review status: criteria provided, multiple submitters, no conflicts (2 of 4 stars). 2 submissions from 2 submitters: Pathogenic (1); Likely pathogenic (1). Last evaluated 2024-05-23.

Conditions:
Joubert syndrome 20 (JBTS20). Identifiers: Orphanet 475, MedGen C3554235, MONDO:0013994, OMIM 614970.
Meckel syndrome, type 11 (MKS11). Identifiers: Orphanet 564, MedGen C3809352, MONDO:0014164, OMIM 615397.
Joubert syndrome and related disorders. Identifiers: Orphanet 140874, MedGen C5679612, MONDO:0015369.

Submissions (2):

Labcorp Genetics (formerly Invitae), Labcorp
Classification: Pathogenic for Joubert syndrome 20; Meckel syndrome, type 11. Last evaluated: 2024-05-23. Review status: criteria provided, single submitter. Criteria: Invitae Variant Classification Sherloc (09022015). Collection method: clinical testing. Allele origin: germline.
Comment: This sequence change affects a donor splice site in intron 2 of the TMEM231 gene. It is expected to disrupt RNA splicing. Variants that disrupt the donor or acceptor splice site typically lead to a loss of protein function (PMID: 16199547), and loss-of-function variants in TMEM231 are known to be pathogenic (PMID: 23012439, 23349226). This variant is not present in population databases (gnomAD no frequency). Disruption of this splice site has been observed in individual(s) with clinical features of Joubert syndrome (PMID: 32055034, 32386258). ClinVar contains an entry for this variant (Variation ID: 1192252). Algorithms developed to predict the effect of sequence changes on RNA splicing suggest that this variant may disrupt the consensus splice site. For these reasons, this variant has been classified as Pathogenic.

Women's Health and Genetics/Laboratory Corporation of America, LabCorp
Classification: Likely pathogenic for Joubert syndrome and related disorders. Last evaluated: 2021-07-26. Review status: criteria provided, single submitter. Criteria: LabCorp Variant Classification Summary - May 2015. Collection method: clinical testing. Allele origin: germline.
Comment: Variant summary: TMEM231 c.597+1G>C is located in a canonical splice-site and is predicted to affect mRNA splicing resulting in a significantly altered protein due to either exon skipping, shortening, or inclusion of intronic material. Several computational tools predict a significant impact on normal splicing: Four predict the variant abolishes a 5 prime splicing donor site. However, these predictions have yet to be confirmed by functional studies. The variant was absent in 100746 control chromosomes. To our knowledge, no occurrence of c.597+1G>C in individuals affected with Joubert Syndrome And Related Disorders and no experimental evidence demonstrating its impact on protein function have been reported. No clinical diagnostic laboratories have submitted clinical-significance assessments for this variant to ClinVar after 2014. Based on the evidence outlined above, the variant was classified as likely pathogenic.

Literature cited by the submitters: PubMed 16199547 (cited by Labcorp Genetics (formerly Invitae), Labcorp); PubMed 23012439 (cited by Labcorp Genetics (formerly Invitae), Labcorp); PubMed 23349226 (cited by Labcorp Genetics (formerly Invitae), Labcorp); PubMed 32055034 (cited by Labcorp Genetics (formerly Invitae), Labcorp); PubMed 32386258 (cited by Labcorp Genetics (formerly Invitae), Labcorp).

NM_001077418.3(TMEM231):c.438+1G>C

Gene: TMEM231 (transmembrane protein 231; minus strand). Cytogenetic location: 16q23.1.
Variant type: single nucleotide variant.
Coding change: c.438+1G>C on transcript NM_001077418.3 (MANE Select); the canonical splice donor site of the intron after coding-DNA position 438, G replaced by C.
Molecular consequence: splice donor variant.
Genome position (GRCh38, 1-based): chr16:75,545,825, C>G on the plus strand (G>C on the coding strand, the complement: TMEM231 is on the minus strand). VCF-style: chr16-75545825-C-G. GRCh37 (hg19) VCF-style: chr16-75579723-C-G.
Other names: c.597+1G>C (NM_001077416.2).
Identifiers: ClinVar variation 1192252 (VCV001192252.4), dbSNP rs1415483600, ClinGen allele CA396806903.